The following is an entry in ClinVar:

ClinVar aggregate classification (germline): Uncertain significance (1 of 4 stars; one submission).

Submission:

GeneDx
Classification: Uncertain significance. Last evaluated: 2024-05-10. Review status: criteria provided, single submitter. Criteria: GeneDx Variant Classification Process June 2021. Collection method: clinical testing. Allele origin: germline. Affected: yes.
Comment: Not observed at significant frequency in large population cohorts (gnomAD); In silico analysis supports that this missense variant has a deleterious effect on protein structure/function; Has not been previously published as pathogenic or benign to our knowledge

NM_006662.3(SRCAP):c.6364G>A (p.Gly2122Ser)

Gene: SRCAP (Snf2 related CREBBP activator protein; plus strand). Cytogenetic location: 16p11.2.
Variant type: single nucleotide variant.
Coding change: c.6364G>A on transcript NM_006662.3 (MANE Select); coding-DNA position 6364, G replaced by A.
Protein change: p.Gly2122Ser; replaces glycine 2122 with serine.
Molecular consequence: missense variant.
Genome position (GRCh38, 1-based): chr16:30,733,668, G>A. VCF-style: chr16-30733668-G-A. GRCh37 (hg19) VCF-style: chr16-30744989-G-A.
Other names: short protein forms G2122S.
Identifiers: ClinVar variation 1806746 (VCV001806746.2), dbSNP rs2506711455, ClinGen allele CA395624425.